The following is an entry in ClinVar:

NM_000257.4(MYH7):c.4301G>C (p.Arg1434Pro)

Genes: MHRT (myosin heavy chain associated RNA transcript; plus strand), MYH7 (myosin heavy chain 7; minus strand). Cytogenetic location: 14q11.2.
Variant type: single nucleotide variant.
Coding change: c.4301G>C on transcript NM_000257.4 (MANE Select); coding-DNA position 4301, G replaced by C.
Protein change: p.Arg1434Pro; replaces arginine 1434 with proline.
Molecular consequence: missense variant. On other transcripts: non-coding transcript variant (1).
Genome position (GRCh38, 1-based): chr14:23,417,555, C>G on the plus strand (G>C on the coding strand, the complement: MYH7 is on the minus strand). VCF-style: chr14-23417555-C-G. GRCh37 (hg19) VCF-style: chr14-23886764-C-G.
Other names: short protein forms R1434P.
Identifiers: ClinVar variation 835759 (VCV000835759.9), dbSNP rs780625785, ClinGen allele CA389040170.

ClinVar aggregate classification (germline): Likely pathogenic (1 of 4 stars; one submission).

Conditions:
Hypertrophic cardiomyopathy. Also called: HYPERTROPHIC MYOCARDIOPATHY. Identifiers: Orphanet 217569, MedGen C0007194, MeSH D002312, MONDO:0005045, HP:0001639.

Submission:

Labcorp Genetics (formerly Invitae), Labcorp
Classification: Likely pathogenic for Hypertrophic cardiomyopathy. Last evaluated: 2019-12-15. Review status: criteria provided, single submitter. Criteria: Invitae Variant Classification Sherloc (09022015). Collection method: clinical testing. Allele origin: germline.
Comment: This variant disrupts the p.Arg1434 amino acid residue in MYH7. Other variant(s) that disrupt this residue have been determined to be pathogenic (PMID: 21750094, 24119082, 27532257, 21310275). This suggests that this residue is clinically significant, and that variants that disrupt this residue are likely to be disease-causing. In summary, the currently available evidence indicates that the variant is pathogenic, but additional data are needed to prove that conclusively. Therefore, this variant has been classified as Likely Pathogenic. This variant has been reported to affect MYH7 protein function (PMID: 27519903). This variant has been observed to segregate with distal myopathy in a family (PMID: 27519903). This variant is not present in population databases (ExAC no frequency). This sequence change replaces arginine with proline at codon 1434 of the MYH7 protein (p.Arg1434Pro). The arginine residue is highly conserved and there is a moderate physicochemical difference between arginine and proline.

Literature cited by the submitters: PubMed 21750094; PubMed 24119082; PubMed 27532257; PubMed 21310275; PubMed 27519903.